The following is an entry in ClinVar:

ClinVar aggregate classification (germline): Likely benign. Review status: criteria provided, multiple submitters, no conflicts (2 of 4 stars). 2 submissions from 2 submitters: Likely benign (2). Last evaluated 2026-01-21.

Conditions:
Charcot-Marie-Tooth disease axonal type 2V. Also called: CHARCOT-MARIE-TOOTH NEUROPATHY, TYPE 2V; CHARCOT-MARIE-TOOTH DISEASE, AXONAL, AUTOSOMAL DOMINANT, TYPE 2V. Identifiers: Orphanet 447964, MedGen C5569050, MONDO:0014665, OMIM 616491.
Mucopolysaccharidosis, MPS-III-B (MPS3B). Also called: MPS III B; Mucopolysaccharidosis type IIIB (Sanfilippo B); N-ACETYL-ALPHA-D-GLUCOSAMINIDASE DEFICIENCY; NAGLU DEFICIENCY; SANFILIPPO SYNDROME B; MUCOPOLYSACCHARIDOSIS, TYPE IIIB. Identifiers: Orphanet 79270, MedGen C0086648, MONDO:0009656, OMIM 252920.

Allele frequency attached by ClinVar (database versions not stated): gnomAD exomes 0.00003 and 0.00002; ExAC 0.00003; TOPMed 0.00001; gnomAD 0.00001.
gnomAD v4.1: 39 of 1,613,606 alleles (0.0024%); highest among the groups gnomAD compares: South Asian, 0.0055%; 2 homozygotes.

Submissions (2):

Labcorp Genetics (formerly Invitae), Labcorp
Classification: Likely benign for Charcot-Marie-Tooth disease axonal type 2V; Mucopolysaccharidosis, MPS-III-B. Last evaluated: 2026-01-21. Review status: criteria provided, single submitter. Criteria: Invitae Variant Classification Sherloc (09022015). Collection method: clinical testing. Allele origin: germline.

Women's Health and Genetics/Laboratory Corporation of America, LabCorp
Classification: Likely benign. Last evaluated: 2024-07-02. Review status: criteria provided, single submitter. Criteria: LabCorp Variant Classification Summary - May 2015. Collection method: clinical testing. Allele origin: germline.
Comment: Variant summary: NAGLU c.1124G>A (p.Arg375His) results in a non-conservative amino acid change located in the Alpha-N-acetylglucosaminidase, tim-barrel domain (IPR024733) of the encoded protein sequence. Three of five in-silico tools predict a damaging effect of the variant on protein function. The variant allele was found at a frequency of 2.4e-05 in 1613606 control chromosomes in the gnomAD database, including 2 homozygotes. This frequency is not significantly higher than estimated for a pathogenic variant in NAGLU causing Mucopolysaccharidosis Type IIIB (Sanfilippo Syndrome B) (2.4e-05 vs 0.0025). c.1124G>A has been reported in the literature as a homozygous genotype in settings of multi-gene panel testing in at-least one individual affected with Leukodystrophy within a cohort of individuals affected with Neurological disorders (example, Ganapathy_2019). This study also reports at-least one homozygous co-occurrence with another pathogenic variant in a gene with a definitive disease association, ROGD1 chr16:4847461+?_4848668+?delinsCAG (exon 7-11del), providing supporting evidence for a benign role. Therefore, the published report(s) do not provide unequivocal conclusions about association of the variant with Mucopolysaccharidosis Type IIIB (Sanfilippo Syndrome B). To our knowledge, no experimental evidence demonstrating an impact on protein function has been reported. The following publication has been ascertained in the context of this evaluation (PMID: 31069529). ClinVar contains an entry for this variant (Variation ID: 1104354). Based on the evidence outlined above, the variant was classified as likely benign.

Literature cited by the submitters: PubMed 31069529 (cited by Women's Health and Genetics/Laboratory Corporation of America, LabCorp).

NM_000263.4(NAGLU):c.1124G>A (p.Arg375His)

Gene: NAGLU (N-acetyl-alpha-glucosaminidase; plus strand). Cytogenetic location: 17q21.2.
Variant type: single nucleotide variant.
Coding change: c.1124G>A on transcript NM_000263.4 (MANE Select); coding-DNA position 1124, G replaced by A.
Protein change: p.Arg375His; replaces arginine 375 with histidine.
Molecular consequence: missense variant.
Genome position (GRCh38, 1-based): chr17:42,543,130, G>A. VCF-style: chr17-42543130-G-A. GRCh37 (hg19) VCF-style: chr17-40695148-G-A.
Other names: short protein forms R375H.
Identifiers: ClinVar variation 1104354 (VCV001104354.10), dbSNP rs768600049, ClinGen allele CA8576966.
Genomic context (GRCh38, chr17:42,543,130, plus strand): 5'-AGCACCAGCCGCAGTTCTGGGGGCCCGCCCAGATCAGGGCTGTGCTGGGAGCTGTGCCCC[G>A]TGGCCGCCTCCTGGTTCTGGACCTGTTTGCTGAGAGCCAGCCTGTGTATACCCGCACTGC-3'
Protein context (NP_000254.2, residues 365-385): QIRAVLGAVP[Arg375His]GRLLVLDLFA